The following is an entry in ClinVar:

ClinVar aggregate classification (germline): Uncertain significance. Review status: criteria provided, multiple submitters, no conflicts (2 of 4 stars). 2 submissions from 2 submitters: Uncertain significance (2). Last evaluated 2023-05-20.

Conditions:
Parathyroid carcinoma (PRTC). Also called: CDC73-Related Parathyroid Carcinoma; Parathyroid gland carcinoma. Identifiers: Orphanet 143, MedGen C0687150, MONDO:0012004, OMIM 608266, HP:0006780.

Submissions (2):

Labcorp Genetics (formerly Invitae), Labcorp
Classification: Uncertain significance for Parathyroid carcinoma. Last evaluated: 2023-05-20. Review status: criteria provided, single submitter. Criteria: Invitae Variant Classification Sherloc (09022015). Collection method: clinical testing. Allele origin: germline.
Comment: In summary, the available evidence is currently insufficient to determine the role of this variant in disease. Therefore, it has been classified as a Variant of Uncertain Significance. Advanced modeling of protein sequence and biophysical properties (such as structural, functional, and spatial information, amino acid conservation, physicochemical variation, residue mobility, and thermodynamic stability) performed at Invitae indicates that this missense variant is not expected to disrupt CDC73 protein function. ClinVar contains an entry for this variant (Variation ID: 429379). This variant has not been reported in the literature in individuals affected with CDC73-related conditions. This variant is not present in population databases (gnomAD no frequency). This sequence change replaces proline, which is neutral and non-polar, with leucine, which is neutral and non-polar, at codon 287 of the CDC73 protein (p.Pro287Leu).

GeneDx
Classification: Uncertain significance. Last evaluated: 2017-05-05. Review status: criteria provided, single submitter. Criteria: GeneDx Variant Classification (06012015). Collection method: clinical testing. Allele origin: germline. Affected: yes.
Comment: The P287L variant has not, to our knowledge, been published in the literature as pathogenic or benign. This variant was not observed in large population cohorts (NHLBI Exome Sequencing Project, The 1000 Genomes Consortium 2015, Lek 2016). Since Proline and Leucine differ in some properties, this is considered a semi-conservative amino acid substitution. This substitution occurs at a position that is conserved across species and is located within the regions reported to interact with Set1-like complex and bind to hPAf1 complex, RNAPII, and PAF1 (Rozanblatt-Rosen et al., 2005; Yart et al., 2005). In silico analyses predict that this variant is probably damaging to protein structure and function. We interpret P287L as a variant of uncertain significance.

NM_024529.5(CDC73):c.860C>T (p.Pro287Leu)

Gene: CDC73 (cell division cycle 73; plus strand). Cytogenetic location: 1q31.2.
Variant type: single nucleotide variant.
Coding change: c.860C>T on transcript NM_024529.5 (MANE Select); coding-DNA position 860, C replaced by T.
Protein change: p.Pro287Leu; replaces proline 287 with leucine.
Molecular consequence: missense variant.
Genome position (GRCh38, 1-based): chr1:193,150,335, C>T. VCF-style: chr1-193150335-C-T. GRCh37 (hg19) VCF-style: chr1-193119465-C-T.
Other names: short protein forms P287L.
Identifiers: ClinVar variation 429379 (VCV000429379.5), dbSNP rs1131691352, ClinGen allele CA343965001.